The following is an entry in ClinVar:

NM_000051.4(ATM):c.2678A>T (p.Gln893Leu)

Gene: ATM (ATM serine/threonine kinase; plus strand). Cytogenetic location: 11q22.3.
Variant type: single nucleotide variant.
Coding change: c.2678A>T on transcript NM_000051.4 (MANE Select); coding-DNA position 2678, A replaced by T.
Protein change: p.Gln893Leu; replaces glutamine 893 with leucine.
Molecular consequence: missense variant.
Genome position (GRCh38, 1-based): chr11:108,268,449, A>T. VCF-style: chr11-108268449-A-T. GRCh37 (hg19) VCF-style: chr11-108139176-A-T.
Other names: c.2678A>T, p.Gln893Leu (NM_001351834.2); short protein forms Q893L.
Identifiers: ClinVar variation 490488 (VCV000490488.6), dbSNP rs876659776, ClinGen allele CA382545132.

ClinVar aggregate classification (germline): Uncertain significance (1 of 4 stars; one submission).

Conditions:
Hereditary cancer-predisposing syndrome. Also called: Hereditary Cancer Syndrome; Neoplastic Syndromes, Hereditary; Tumor predisposition; Hereditary neoplastic syndrome. Identifiers: Orphanet 140162, MedGen C0027672, MeSH D009386, MONDO:0015356.

Submission:

Color Diagnostics, LLC DBA Color Health
Classification: Uncertain significance for Hereditary cancer-predisposing syndrome. Last evaluated: 2023-12-05. Review status: criteria provided, single submitter. Criteria: ACMG Guidelines, 2015. Collection method: clinical testing. Allele origin: germline.
Comment: This missense variant replaces glutamine with leucine at codon 893 of the ATM protein. Computational prediction suggests that this variant may not impact protein structure and function (internally defined REVEL score threshold <= 0.5, PMID: 27666373). To our knowledge, functional studies have not been reported for this variant. This variant has not been reported in individuals affected with ATM-related disorders in the literature. This variant has not been identified in the general population by the Genome Aggregation Database (gnomAD). The available evidence is insufficient to determine the role of this variant in disease conclusively. Therefore, this variant is classified as a Variant of Uncertain Significance.